The following is an entry in ClinVar:

ClinVar aggregate classification (germline): Pathogenic (1 of 4 stars; one submission).

Conditions:
Hereditary cancer-predisposing syndrome. Also called: Hereditary Cancer Syndrome; Neoplastic Syndromes, Hereditary; Hereditary neoplastic syndrome; Tumor predisposition. Identifiers: Orphanet 140162, MedGen C0027672, MeSH D009386, MONDO:0015356.

Submission:

Ambry Genetics
Classification: Pathogenic for Hereditary cancer-predisposing syndrome. Last evaluated: 2015-08-26. Review status: criteria provided, single submitter. Criteria: Ambry Variant Classification Scheme 2023. Collection method: clinical testing. Allele origin: germline.
Comment: The c.2299_2302delAATA pathogenic mutation, located in coding exon 22 of the RB1 gene, results from a deletion of 4 nucleotides between positions 2299 and 2302, causing a translational frameshift with a predicted alternate stop codon. Since frameshifts are typically deleterious in nature, this alteration is interpreted as a disease-causing mutation (ACMG Recommendations for Standards for Interpretation and Reporting of Sequence Variations. Revision 2007. Genet Med. 2008;10:294).

NM_000321.3(RB1):c.2299_2302del (p.Asn767fs)

Gene: RB1 (RB transcriptional corepressor 1; plus strand). Cytogenetic location: 13q14.2.
Variant type: Deletion.
Coding change: c.2299_2302del on transcript NM_000321.3 (MANE Select); coding-DNA positions 2299 to 2302, 4 bases deleted (AATA; older notation c.2299_2302delAATA).
Protein change: p.Asn767fs; shifts the reading frame from asparagine 767.
Molecular consequence: frameshift variant.
Genome position (GRCh38, 1-based): chr13:48,465,085-48,465,088, AATA deleted; deleting any 4 consecutive bases within chr13:48,465,084-48,465,088 gives the same sequence; the c. name uses the placement nearest the transcript's 3' end. VCF-style (leftmost placement, unchanged base first): chr13-48465083-CAAAT-C. GRCh37 (hg19) VCF-style: chr13-49039219-CAAAT-C.
Other names: c.2299_2302delAATA (NM_000321.2); short protein forms N767fs.
Identifiers: ClinVar variation 428717 (VCV000428717.5), dbSNP rs1131690894, ClinGen allele CA645369595.